The following is an entry in ClinVar:

NM_006939.4(SOS2):c.3379+6T>C

Gene: SOS2 (SOS Ras/Rho guanine nucleotide exchange factor 2; minus strand). Cytogenetic location: 14q21.3.
Variant type: single nucleotide variant.
Coding change: c.3379+6T>C on transcript NM_006939.4 (MANE Select); 6 bases into the intron after coding-DNA position 3379, T replaced by C.
Molecular consequence: intron variant.
Genome position (GRCh38, 1-based): chr14:50,129,955, A>G on the plus strand (T>C on the coding strand, the complement: SOS2 is on the minus strand). VCF-style: chr14-50129955-A-G. GRCh37 (hg19) VCF-style: chr14-50596673-A-G.
Identifiers: ClinVar variation 1419603 (VCV001419603.6), dbSNP rs2139510050, ClinGen allele CA486173020.
Genomic context (GRCh38, chr14:50,129,955, plus strand): 5'-AATATAATCAACCAGATTATTATCTTTACAGTCATTTCATTAAGAATCAACTTAAATTAT[A>G]CTTACTTGAATGTGGCAAAAGCACTGGAGCAAAGATGCTATTGCTGCCTATTGGAATAAG-3'

ClinVar aggregate classification (germline): Uncertain significance (1 of 4 stars; one submission).

Conditions:
Noonan syndrome 9 (NS9). Identifiers: Orphanet 648, MedGen C4225282, MONDO:0014691, OMIM 616559.

Allele frequency attached by ClinVar (database versions not stated): gnomAD exomes below 0.00001.
gnomAD v4.1: 3 of 1,546,758 alleles (0.00019%); highest among the groups gnomAD compares: Middle Eastern, 0.017%; no homozygotes.

Submission:

Labcorp Genetics (formerly Invitae), Labcorp
Classification: Uncertain significance for Noonan syndrome 9. Last evaluated: 2025-08-08. Review status: criteria provided, single submitter. Criteria: Invitae Variant Classification Sherloc (09022015). Collection method: clinical testing. Allele origin: germline.
Comment: This sequence change falls in intron 21 of the SOS2 gene. It does not directly change the encoded amino acid sequence of the SOS2 protein. It affects a nucleotide within the consensus splice site. This variant is not present in population databases (gnomAD no frequency). This variant has not been reported in the literature in individuals affected with SOS2-related conditions. ClinVar contains an entry for this variant (Variation ID: 1419603). Variants that disrupt the consensus splice site are a relatively common cause of aberrant splicing (PMID: 17576681, 9536098). Algorithms developed to predict the effect of sequence changes on RNA splicing suggest that this variant may disrupt the consensus splice site. In summary, the available evidence is currently insufficient to determine the role of this variant in disease. Therefore, it has been classified as a Variant of Uncertain Significance.

Literature cited by the submitters: PubMed 17576681; PubMed 9536098.